The following continues an entry in ClinVar:

NM_001009944.3(PKD1):c.9202-16G>A

ClinVar aggregate classification (germline): Pathogenic/Likely pathogenic. Pathogenic (4); Likely pathogenic (9).

Submissions 12 to 14 of 14:

Department of Traditional Chinese Medicine, Fujian Provincial Hospital
Classification: Likely pathogenic for Autosomal dominant polycystic kidney disease. Review status: criteria provided, single submitter. Criteria: ACMG Guidelines, 2015. Collection method: research. Allele origin: inherited.
Comment: According to many literature reports, this mutation was detected in at least 2 unrelated patients with polycystic kidney disease. In vitro functional verification experiments showed that compared with the wild-type control, the mutation would lead to abnormal splicing, leading to exon 26 jumping. According to ACMG standard, the mutation point accords with:PM2_Supporting (Absent from controls in Exome Sequencing Project, 1000 Genomes or ExAC.),PS3 (Well-established in vitro or in vivo functional studies supportive of a damaging effect on the gene or gene product.),PS4_Supporting (The prevalence of the variant in affected individuals is significantly increased compared to the prevalence in controls.). Therefore, the pathogenicity of this mutation is judged as likely pathogenic.

Juno Genomics, Hangzhou Juno Genomics, Inc
Classification: Likely pathogenic for Polycystic kidney disease, adult type. Review status: criteria provided, single submitter. Criteria: ACMG Guidelines, 2015. Collection method: clinical testing. Allele origin: germline. Affected: yes.
Comment: Absent from controls (or at extremely low frequency if recessive) in Genome Aggregation Database.;The prevalence of the variant in affected individuals is significantly increased compared to the prevalence in controls.;Patient's phenotype or family history is highly specific for a disease with a single genetic etiology.;Null variant in a gene where loss of function (LOF) is a known mechanism of disease.

Department of Human Genetics, Hannover Medical School
Classification: Uncertain significance for Polycystic kidney disease 2. Last evaluated: 2024-06-12. Review status: flagged submission. Criteria: ACMG Guidelines, 2015. Collection method: clinical testing. Allele origin: germline. Inheritance: Autosomal dominant inheritance. Affected: yes. Not counted in ClinVar's aggregate classification.
ClinVar note: Reason: Outlier claim with insufficient supporting evidence

Literature cited by the submitters: PubMed 11115377 (cited by 6 submitters); PubMed 29801666 (cited by Women's Health and Genetics/Laboratory Corporation of America, LabCorp and Molecular Genetics, Royal Melbourne Hospital); PubMed 33532864 (cited by 6 submitters); PubMed 24611717 (cited by 4 submitters); PubMed 35325889 (cited by Women's Health and Genetics/Laboratory Corporation of America, LabCorp); PubMed 26823553 (cited by Women's Health and Genetics/Laboratory Corporation of America, LabCorp); PubMed 38541974 (cited by Women's Health and Genetics/Laboratory Corporation of America, LabCorp and Molecular Genetics, Royal Melbourne Hospital); PubMed 19158373 (cited by 3 submitters); PubMed 36186434 (cited by Women's Health and Genetics/Laboratory Corporation of America, LabCorp); PubMed 26453610 (cited by Molecular Genetics, Royal Melbourne Hospital); PubMed 27499327 (cited by Molecular Genetics, Royal Melbourne Hospital).